The following is an entry in ClinVar:

ClinVar aggregate classification (germline): Benign. Review status: criteria provided, multiple submitters, no conflicts (2 of 4 stars). 2 submissions from 2 submitters: Benign (2). Last evaluated 2018-01-13.

Conditions:
Kindler syndrome (KNDLRS). Also called: BULLOUS ACROKERATOTIC POIKILODERMA OF KINDLER AND WEARY; POIKILODERMA, CONGENITAL, WITH BULLAE, WEARY TYPE; POIKILODERMA, HEREDITARY ACROKERATOTIC; Hereditary acrokeratotic poikiloderma of Weary; Poikiloderma of Kindler; Congenital bullous poikiloderma. Identifiers: Orphanet 2908, Orphanet 306539, MedGen C0406557, MONDO:0008260, OMIM 173650.

Allele frequency attached by ClinVar (database versions not stated): gnomAD exomes 0.07915; gnomAD 0.09221 and 0.09305; TOPMed 0.09560; 1000 Genomes Project 0.10403; 1000 Genomes Project 30x 0.10603.
gnomAD v4.1: 31,058 of 366,724 alleles (8.5%); highest among the groups gnomAD compares: African/African-American, 18%; 1,992 homozygotes.

Submissions (2):

Illumina Laboratory Services, Illumina
Classification: Benign for Kindler syndrome. Last evaluated: 2018-01-13. Review status: criteria provided, single submitter. Criteria: ICSL Variant Classification Criteria 13 December 2019. Collection method: clinical testing. Allele origin: germline.
Comment: This variant was observed in the ICSL laboratory as part of a predisposition screen in an ostensibly healthy population. It had not been previously curated by ICSL or reported in the Human Gene Mutation Database (HGMD: prior to June 1st, 2018), and was therefore a candidate for classification through an automated scoring system. Utilizing variant allele frequency, disease prevalence and penetrance estimates, and inheritance mode, an automated score was calculated to assess if this variant is too frequent to cause the disease. Based on the score and internal cut-off values, a variant classified as benign is not then subjected to further curation. The score for this variant resulted in a classification of benign for this disease.

Breakthrough Genomics
Classification: Benign. Review status: criteria provided, single submitter. Criteria: ACMG Guidelines, 2015. Collection method: not provided. Allele origin: germline. Inheritance: Autosomal recessive inheritance. Affected: yes.

NM_017671.5(FERMT1):c.*902A>G

Gene: FERMT1 (FERM domain containing kindlin 1; minus strand). Cytogenetic location: 20p12.3.
Variant type: single nucleotide variant.
Coding change: c.*902A>G on transcript NM_017671.5 (MANE Select); 902 bases downstream of the stop codon, A replaced by G.
Molecular consequence: 3 prime UTR variant.
Genome position (GRCh38, 1-based): chr20:6,076,271, T>C on the plus strand (A>G on the coding strand, the complement: FERMT1 is on the minus strand). VCF-style: chr20-6076271-T-C. GRCh37 (hg19) VCF-style: chr20-6056918-T-C.
Identifiers: ClinVar variation 339193 (VCV000339193.6), dbSNP rs6053878, ClinGen allele CA10653341.
Genomic context (GRCh38, chr20:6,076,271, plus strand): 5'-GACCTTGGACATGGTGGTCTTTGAGAATGGGTCTGCCCTTCTCTCCCTGACCAGTTGGGA[T>C]AGACACCTGACTGGAATCCTTGACACTGGCAGGTGTTTCTATGAACAGAGAGGACTGTGC-3'